The following is an entry in ClinVar:

ClinVar aggregate classification (germline): Uncertain significance. Review status: criteria provided, multiple submitters, no conflicts (2 of 4 stars). 2 submissions from 2 submitters: Uncertain significance (2). Last evaluated 2023-02-22.

Conditions:
Inborn genetic diseases. Identifiers: MedGen C0950123, MeSH D030342.

Allele frequency attached by ClinVar (database versions not stated): ExAC 0.00001; gnomAD 0.00002; TOPMed 0.00003; gnomAD exomes 0.00004.
gnomAD v4.1: 31 of 1,613,046 alleles (0.0019%); highest among the groups gnomAD compares: Admixed American, 0.013%; no homozygotes.

Submissions (2):

Ambry Genetics
Classification: Uncertain significance for Inborn genetic diseases. Last evaluated: 2023-02-22. Review status: criteria provided, single submitter. Criteria: Ambry Variant Classification Scheme 2023. Collection method: clinical testing. Allele origin: germline.

Labcorp Genetics (formerly Invitae), Labcorp
Classification: Uncertain significance. Last evaluated: 2022-08-10. Review status: criteria provided, single submitter. Criteria: Invitae Variant Classification Sherloc (09022015). Collection method: clinical testing. Allele origin: germline.
Comment: This sequence change replaces glutamic acid, which is acidic and polar, with lysine, which is basic and polar, at codon 1327 of the PTPN23 protein (p.Glu1327Lys). This variant is present in population databases (rs759389182, gnomAD 0.02%). This variant has not been reported in the literature in individuals affected with PTPN23-related conditions. ClinVar contains an entry for this variant (Variation ID: 1420937). Algorithms developed to predict the effect of missense changes on protein structure and function are either unavailable or do not agree on the potential impact of this missense change (SIFT: "Tolerated"; PolyPhen-2: "Possibly Damaging"; Align-GVGD: "Class C0"). In summary, the available evidence is currently insufficient to determine the role of this variant in disease. Therefore, it has been classified as a Variant of Uncertain Significance.

NM_015466.4(PTPN23):c.3979G>A (p.Glu1327Lys)

Gene: PTPN23 (protein tyrosine phosphatase non-receptor type 23; plus strand). Cytogenetic location: 3p21.31.
Variant type: single nucleotide variant.
Coding change: c.3979G>A on transcript NM_015466.4 (MANE Select); coding-DNA position 3979, G replaced by A.
Protein change: p.Glu1327Lys; replaces glutamic acid 1327 with lysine.
Molecular consequence: missense variant.
Genome position (GRCh38, 1-based): chr3:47,411,873, G>A. VCF-style: chr3-47411873-G-A. GRCh37 (hg19) VCF-style: chr3-47453363-G-A.
Other names: c.3601G>A, p.Glu1201Lys (NM_001304482.2); c.3979G>A (NM_015466.2); short protein forms E1201K, E1327K.
Identifiers: ClinVar variation 1420937 (VCV001420937.4), dbSNP rs759389182, ClinGen allele CA2366417.